The following is an entry in ClinVar:

NM_005732.4(RAD50):c.79T>G (p.Phe27Val)

Gene: RAD50 (RAD50 double strand break repair protein; plus strand). Cytogenetic location: 5q31.1.
Variant type: single nucleotide variant.
Coding change: c.79T>G on transcript NM_005732.4 (MANE Select); coding-DNA position 79, T replaced by G.
Protein change: p.Phe27Val; replaces phenylalanine 27 with valine.
Molecular consequence: missense variant.
Genome position (GRCh38, 1-based): chr5:132,557,403, T>G. VCF-style: chr5-132557403-T-G. GRCh37 (hg19) VCF-style: chr5-131893095-T-G.
Other names: short protein forms F27V.
Identifiers: ClinVar variation 3942163 (VCV003942163.1).
Genomic context (GRCh38, chr5:132,557,403, plus strand): 5'-ATGAGCATTCTGGGCGTGCGGAGTTTTGGAATAGAGGACAAAGATAAGCAAATTATCACT[T>G]TCTTCAGCCCCCTTACAATTTTGGTTGGACCCAATGGGGCGGGAAAGACGGTAAGTCTTC-3'
Protein context (NP_005723.2, residues 17-37): IEDKDKQIIT[Phe27Val]FSPLTILVGP

ClinVar aggregate classification (germline): Uncertain significance (1 of 4 stars; one submission).

Conditions:
Hereditary cancer-predisposing syndrome. Also called: Tumor predisposition; Hereditary neoplastic syndrome; Hereditary Cancer Syndrome; Neoplastic Syndromes, Hereditary. Identifiers: Orphanet 140162, MedGen C0027672, MeSH D009386, MONDO:0015356.

Submission:

Ambry Genetics
Classification: Uncertain significance for Hereditary cancer-predisposing syndrome. Last evaluated: 2025-04-06. Review status: criteria provided, single submitter. Criteria: Ambry Variant Classification Scheme 2023. Collection method: clinical testing. Allele origin: germline.
Comment: The p.F27V variant (also known as c.79T>G), located in coding exon 1 of the RAD50 gene, results from a T to G substitution at nucleotide position 79. The phenylalanine at codon 27 is replaced by valine, an amino acid with highly similar properties. This amino acid position is conserved. In addition, this alteration is predicted to be deleterious by in silico analysis. Based on the available evidence, the clinical significance of this variant remains unclear.